The following is an entry in ClinVar:

NM_004606.5(TAF1):c.1962G>C (p.Glu654Asp)

Gene: TAF1 (TATA-box binding protein associated factor 1; plus strand). Cytogenetic location: Xq13.1.
Variant type: single nucleotide variant.
Coding change: c.1962G>C on transcript NM_004606.5 (MANE Select); coding-DNA position 1962, G replaced by C.
Protein change: p.Glu654Asp; replaces glutamic acid 654 with aspartic acid.
Molecular consequence: missense variant. On other transcripts: non-coding transcript variant (9).
Genome position (GRCh38, 1-based): chrX:71,383,976, G>C. VCF-style: chrX-71383976-G-C. GRCh37 (hg19) VCF-style: chrX-70603826-G-C.
Other names: c.1962G>C, p.Glu654Asp (NM_001286074.2); c.1899G>C, p.Glu633Asp (NM_138923.4); short protein forms E633D, E654D.
Identifiers: ClinVar variation 3252217 (VCV003252217.2), dbSNP rs2520237500.

ClinVar aggregate classification (germline): Uncertain significance (1 of 4 stars; one submission).

Submission:

GeneDx
Classification: Uncertain significance. Last evaluated: 2025-11-26. Review status: criteria provided, single submitter. Criteria: GeneDx Variant Classification Process June 2021. Collection method: clinical testing. Allele origin: germline.
Comment: Reported as a de novo variant in a patient with autism; however, this patient also harbors a de novo variant in the ASH1L gene (PMID: 35982159); Not observed at significant frequency in large population cohorts (gnomAD); In silico analysis supports that this missense variant has a deleterious effect on protein structure/function; This variant is associated with the following publications: (PMID: 35982159)